The following is an entry in ClinVar:

ClinVar aggregate classification (germline): Conflicting classifications of pathogenicity. Review status: criteria provided, conflicting classifications (1 of 4 stars). 6 submissions from 6 submitters: Uncertain significance (2); Likely benign (3). 1 of the submissions does not count toward it. Last evaluated 2025-10-13.

Conditions:
Cardiovascular phenotype. Identifiers: MedGen CN230736.
Cardiomyopathy (CMYO). Also called: Cardiomyopathies. Identifiers: Orphanet 167848, MedGen C0878544, MONDO:0004994, HP:0001638. Inheritance: Various modes of inheritance.
Dystrophin deficiency.
Becker muscular dystrophy (BMD). Also called: MUSCULAR DYSTROPHY, PSEUDOHYPERTROPHIC PROGRESSIVE, BECKER TYPE; Becker Muscular Dystrophy (BMD). Identifiers: Orphanet 98895, MedGen C0917713, MONDO:0010311, OMIM 300376.
Duchenne muscular dystrophy (DMD). Also called: Duchenne Muscular Dystrophy (DMD); MUSCULAR DYSTROPHY, PSEUDOHYPERTROPHIC PROGRESSIVE, DUCHENNE TYPE. Identifiers: Orphanet 98896, MedGen C0013264, MONDO:0010679, OMIM 310200.

Allele frequency attached by ClinVar (database versions not stated): TOPMed below 0.00001; gnomAD 0.00001; gnomAD exomes 0.00001.
gnomAD v4.1: 10 of 1,207,690 alleles (0.00083%); highest among the groups gnomAD compares: Non-Finnish European, 0.001%; no homozygotes.

Submissions (6):

Labcorp Genetics (formerly Invitae), Labcorp
Classification: Likely benign for Duchenne muscular dystrophy. Last evaluated: 2025-10-13. Review status: criteria provided, single submitter. Criteria: Invitae Variant Classification Sherloc (09022015). Collection method: clinical testing. Allele origin: germline.

CeGaT Center for Human Genetics Tuebingen
Classification: Likely benign. Last evaluated: 2025-03-01. Review status: criteria provided, single submitter. Criteria: CeGaT Center For Human Genetics Tuebingen Variant Classification Criteria Version 2. Collection method: clinical testing. Allele origin: germline. Affected: yes. Observed: 1 variant allele.
Comment: DMD: BP4, BS2

Ambry Genetics
Classification: Uncertain significance for Cardiovascular phenotype. Last evaluated: 2021-09-07. Review status: criteria provided, single submitter. Criteria: Ambry Variant Classification Scheme 2023. Collection method: clinical testing. Allele origin: germline.
Comment: The c.1150-4T>A intronic variant results from a T to A substitution 4 nucleotides upstream from coding exon 11 in the DMD gene. Based on data from gnomAD, the A allele has an overall frequency of 0.001097% (2/182391) total alleles studied, with 1 hemizygote(s) observed. The highest observed frequency was 0.006318% (1/15827) of European (Finnish) alleles. This nucleotide position is not well conserved in available vertebrate species. In silico splice site analysis predicts that this alteration will not have any significant effect on splicing. Since supporting evidence is limited at this time, the clinical significance of this alteration remains unclear.

GeneDx
Classification: Likely benign. Last evaluated: 2016-03-28. Review status: criteria provided, single submitter. Criteria: GeneDx Variant Classification (06012015). Collection method: clinical testing. Allele origin: germline. Affected: yes.
Comment: This variant is considered likely benign or benign based on one or more of the following criteria: it is a conservative change, it occurs at a poorly conserved position in the protein, it is predicted to be benign by multiple in silico algorithms, and/or has population frequency not consistent with disease.

Eurofins Ntd Llc (ga)
Classification: Uncertain significance. Last evaluated: 2014-07-21. Review status: criteria provided, single submitter. Criteria: EGL Classification Definitions 2015. Collection method: clinical testing. Allele origin: germline. Observed: 1 variant allele, 1 hemizygote.

Natera, Inc.
Classification: Likely benign for Becker muscular dystrophy; Cardiomyopathy; Duchenne muscular dystrophy; Dystrophin deficiency. Last evaluated: 2018-05-04. Review status: no assertion criteria provided. Collection method: clinical testing. Allele origin: germline. Not counted in ClinVar's aggregate classification.

NM_004006.3(DMD):c.1150-4T>A

Gene: DMD (dystrophin; minus strand). Cytogenetic location: Xp21.1.
Variant type: single nucleotide variant.
Coding change: c.1150-4T>A on transcript NM_004006.3 (MANE Select); 4 bases into the intron before coding-DNA position 1150, T replaced by A.
Molecular consequence: intron variant.
Genome position (GRCh38, 1-based): chrX:32,644,317, A>T on the plus strand (T>A on the coding strand, the complement: DMD is on the minus strand). VCF-style: chrX-32644317-A-T. GRCh37 (hg19) VCF-style: chrX-32662434-A-T.
Other names: c.1126-4T>A (NM_000109.4); c.1138-4T>A (NM_004009.3); c.781-4T>A (NM_004010.3).
Identifiers: ClinVar variation 193871 (VCV000193871.23), dbSNP rs794727031, ClinGen allele CA239556.